The following is an entry in ClinVar:

NM_033028.5(BBS4):c.1324G>T (p.Asp442Tyr)

Gene: BBS4 (Bardet-Biedl syndrome 4; plus strand). Cytogenetic location: 15q24.1.
Variant type: single nucleotide variant.
Coding change: c.1324G>T on transcript NM_033028.5 (MANE Select); coding-DNA position 1324, G replaced by T.
Protein change: p.Asp442Tyr; replaces aspartic acid 442 with tyrosine.
Molecular consequence: missense variant. On other transcripts: non-coding transcript variant (2).
Genome position (GRCh38, 1-based): chr15:72,736,837, G>T. VCF-style: chr15-72736837-G-T. GRCh37 (hg19) VCF-style: chr15-73029178-G-T.
Other names: c.808G>T, p.Asp270Tyr (NM_001252678.2); c.1255G>T, p.Asp419Tyr (NM_001320665.2); short protein forms D270Y, D419Y, D442Y.
Identifiers: ClinVar variation 4991016 (VCV004991016.1).

ClinVar aggregate classification (germline): Uncertain significance (1 of 4 stars; one submission).

Conditions:
BBS4-related disorder. Also called: BBS4-related condition.

gnomAD v4.1: 3 of 1,614,062 alleles (0.00019%); highest among the groups gnomAD compares: East Asian, 0.0067%; no homozygotes.

Submission:

PreventionGenetics, part of Exact Sciences
Classification: Uncertain significance for BBS4-related condition. Last evaluated: 2026-06-22. Review status: criteria provided, single submitter. Criteria: ACMG Guidelines, 2015. Collection method: clinical testing. Allele origin: germline.
Comment: The BBS4 c.1324G>T variant is predicted to result in the amino acid substitution p.Asp442Tyr. To our knowledge, this variant has not been reported in the literature or in a large population database (gnomAD), indicating this variant is rare. At this time, the clinical significance of this variant is uncertain due to the absence of conclusive functional and genetic evidence.